The following is an entry in ClinVar:

NM_000384.3(APOB):c.270C>T (p.Phe90=)

Gene: APOB (apolipoprotein B; minus strand). Cytogenetic location: 2p24.1.
Variant type: single nucleotide variant.
Coding change: c.270C>T on transcript NM_000384.3 (MANE Select); coding-DNA position 270, C replaced by T.
Protein change: p.Phe90=; no amino-acid change (phenylalanine 90 retained).
Molecular consequence: synonymous variant.
Genome position (GRCh38, 1-based): chr2:21,041,051, G>A on the plus strand (C>T on the coding strand, the complement: APOB is on the minus strand). VCF-style: chr2-21041051-G-A. GRCh37 (hg19) VCF-style: chr2-21263923-G-A.
Identifiers: ClinVar variation 4077006 (VCV004077006.2), dbSNP rs1664120791.

ClinVar aggregate classification (germline): Likely benign. Review status: criteria provided, multiple submitters, no conflicts (2 of 4 stars). 2 submissions from 2 submitters: Likely benign (2). Last evaluated 2025-08-06.

Conditions:
Familial hypercholesterolemia. Also called: Familial hypercholesterolaemia. Identifiers: MedGen C0020445, MONDO:0005439.
Cardiovascular phenotype. Identifiers: MedGen CN230736.

gnomAD v4.1: 5 of 1,613,004 alleles (0.00031%); highest among the groups gnomAD compares: Non-Finnish European, 0.00042%; no homozygotes.

Submissions (2):

Ambry Genetics
Classification: Likely benign for Cardiovascular phenotype. Last evaluated: 2025-08-06. Review status: criteria provided, single submitter. Criteria: Ambry Variant Classification Scheme 2023. Collection method: clinical testing. Allele origin: germline.

GENinCode PLC
Classification: Likely benign for Familial hypercholesterolemia. Last evaluated: 2025-05-14. Review status: criteria provided, single submitter. Criteria: ACMG Guidelines, 2015. Collection method: clinical testing. Allele origin: germline.
Comment: This is a synonymous (silent) variant that is not predicted to impact splicing and occurs at a nucleotide which is not highly conserved. This variant has been classified as Likely Benign (BP4, BP7).